The following is an entry in ClinVar:

ClinVar aggregate classification (germline): Conflicting classifications of pathogenicity. Review status: criteria provided, conflicting classifications (1 of 4 stars). 2 submissions from 2 submitters: Uncertain significance (1); Likely benign (1). Last evaluated 2025-08-06.

Conditions:
Inborn genetic diseases. Identifiers: MedGen C0950123, MeSH D030342.

Submissions (2):

Ambry Genetics
Classification: Likely benign for Inborn genetic diseases. Last evaluated: 2025-08-06. Review status: criteria provided, single submitter. Criteria: Ambry Variant Classification Scheme 2023. Collection method: clinical testing. Allele origin: germline.

Labcorp Genetics (formerly Invitae), Labcorp
Classification: Uncertain significance. Last evaluated: 2025-06-04. Review status: criteria provided, single submitter. Criteria: Invitae Variant Classification Sherloc (09022015). Collection method: clinical testing. Allele origin: germline.
Comment: This sequence change replaces valine, which is neutral and non-polar, with isoleucine, which is neutral and non-polar, at codon 75 of the TFRC protein (p.Val75Ile). This variant is present in population databases (rs774319873, gnomAD 0.003%). This variant has not been reported in the literature in individuals affected with TFRC-related conditions. ClinVar contains an entry for this variant (Variation ID: 3612256). An algorithm developed to predict the effect of missense changes on protein structure and function outputs the following: PolyPhen-2: "Benign". The isoleucine amino acid residue is found in multiple mammalian species, which suggests that this missense change does not adversely affect protein function. In summary, the available evidence is currently insufficient to determine the role of this variant in disease. Therefore, it has been classified as a Variant of Uncertain Significance.

NM_001128148.3(TFRC):c.223G>A (p.Val75Ile)

Gene: TFRC (transferrin receptor; minus strand). Cytogenetic location: 3q29.
Variant type: single nucleotide variant.
Coding change: c.223G>A on transcript NM_001128148.3 (MANE Select); coding-DNA position 223, G replaced by A.
Protein change: p.Val75Ile; replaces valine 75 with isoleucine.
Molecular consequence: missense variant. On other transcripts: intron variant (2).
Genome position (GRCh38, 1-based): chr3:196,075,174, C>T on the plus strand (G>A on the coding strand, the complement: TFRC is on the minus strand). VCF-style: chr3-196075174-C-T. GRCh37 (hg19) VCF-style: chr3-195802045-C-T.
Other names: c.223G>A (NM_003234.2); c.223G>A, p.Val75Ile (NM_003234.4); c.-413+1890G>A (NM_001313966.2); c.-5-1049G>A (NM_001313965.2); short protein forms V75I.
Identifiers: ClinVar variation 3612256 (VCV003612256.3).
Genomic context (GRCh38, chr3:196,075,174, plus strand): 5'-GAGTTGGTTATAGAAAACATTGAAGTTTGGAATGGTCATTCTCACCAATCAAGAAAAAGA[C>T]GATCACAGCAATAGTCCCATAGCAGATACTTCCACTACACCTTTTTGGTTTTGTGACATT-3'
Protein context (NP_001121620.1, residues 65-85): SICYGTIAVI[Val75Ile]FFLIGFMIGY